The following is an entry in ClinVar:

ClinVar aggregate classification (germline): Likely benign. Review status: criteria provided, single submitter (1 of 4 stars). 2 submissions from 2 submitters: Likely benign (1). 1 of the submissions does not count toward it. Last evaluated 2024-01-03.

Conditions:
EHHADH-related disorder. Also called: EHHADH-related condition.

Allele frequency attached by ClinVar (database versions not stated): ExAC 0.00001; gnomAD 0.00001; gnomAD exomes 0.00001; TOPMed 0.00002; ESP Exome Variant Server 0.00015.
gnomAD v4.1: 15 of 1,614,058 alleles (0.00093%); highest among the groups gnomAD compares: Non-Finnish European, 0.0013%; no homozygotes.

Submissions (2):

Blueprint Genetics
Classification: Likely benign. Last evaluated: 2024-01-03. Review status: criteria provided, single submitter. Criteria: ACMG Guidelines, 2015. Collection method: clinical testing. Allele origin: germline.

PreventionGenetics, part of Exact Sciences
Classification: Likely benign for EHHADH-related condition. Last evaluated: 2021-04-28. Review status: no assertion criteria provided. Collection method: clinical testing. Allele origin: germline. Not counted in ClinVar's aggregate classification.
Comment: This variant is classified as likely benign based on ACMG/AMP sequence variant interpretation guidelines (Richards et al. 2015 PMID: 25741868, with internal and published modifications).

NM_001966.4(EHHADH):c.741G>A (p.Val247=)

Gene: EHHADH (enoyl-CoA hydratase and 3-hydroxyacyl CoA dehydrogenase; minus strand). Cytogenetic location: 3q27.2.
Variant type: single nucleotide variant.
Coding change: c.741G>A on transcript NM_001966.4 (MANE Select); coding-DNA position 741, G replaced by A.
Protein change: p.Val247=; no amino-acid change (valine 247 retained).
Molecular consequence: synonymous variant.
Genome position (GRCh38, 1-based): chr3:185,204,585, C>T on the plus strand (G>A on the coding strand, the complement: EHHADH is on the minus strand). VCF-style: chr3-185204585-C-T. GRCh37 (hg19) VCF-style: chr3-184922373-C-T.
Other names: c.453G>A, p.Val151= (NM_001166415.2).
Identifiers: ClinVar variation 3031418 (VCV003031418.3), dbSNP rs373788163, ClinGen allele CA2739140.